The following is an entry in ClinVar:

NM_001376.5(DYNC1H1):c.13224T>G (p.Pro4408=)

Gene: DYNC1H1 (dynein cytoplasmic 1 heavy chain 1; plus strand). Cytogenetic location: 14q32.31.
Variant type: single nucleotide variant.
Coding change: c.13224T>G on transcript NM_001376.5 (MANE Select); coding-DNA position 13224, T replaced by G.
Protein change: p.Pro4408=; no amino-acid change (proline 4408 retained).
Molecular consequence: synonymous variant.
Genome position (GRCh38, 1-based): chr14:102,048,521, T>G. VCF-style: chr14-102048521-T-G. GRCh37 (hg19) VCF-style: chr14-102514858-T-G.
Identifiers: ClinVar variation 2200776 (VCV002200776.4), dbSNP rs2048758493, ClinGen allele CA487969425.
Genomic context (GRCh38, chr14:102,048,521, plus strand): 5'-ACACTGGAGAAAGGACCTCTTCCTAACTTCTCTTCACCCTTTTGAACGATTTTAGGATCC[T>G]TTGTTCAGGTTCTTTGAGAGAGAAGTGAAGATGGGCGCAAAGCTGCTTCAGGACGTTCGC-3'
Protein context (NP_001367.2, residues 4398-4418): LKRTVENIKD[Pro4408=]LFRFFEREVK

ClinVar aggregate classification (germline): Uncertain significance (1 of 4 stars; one submission).

Conditions:
Charcot-Marie-Tooth disease axonal type 2O. Also called: CHARCOT-MARIE-TOOTH NEUROPATHY, AXONAL, TYPE 2O; CHARCOT-MARIE-TOOTH DISEASE, AXONAL, AUTOSOMAL DOMINANT, TYPE 2O; Charcot-Marie-Tooth Neuropathy Type 2O; Charcot-Marie-Tooth disease, axonal, type 20. Identifiers: Orphanet 284232, MedGen C3280220, MONDO:0013644, OMIM 614228.

Submission:

Labcorp Genetics (formerly Invitae), Labcorp
Classification: Uncertain significance for Charcot-Marie-Tooth disease axonal type 2O. Last evaluated: 2023-08-10. Review status: criteria provided, single submitter. Criteria: Invitae Variant Classification Sherloc (09022015). Collection method: clinical testing. Allele origin: germline.
Comment: This sequence change affects codon 4408 of the DYNC1H1 mRNA. It is a 'silent' change, meaning that it does not change the encoded amino acid sequence of the DYNC1H1 protein. This variant is not present in population databases (gnomAD no frequency). This variant has not been reported in the literature in individuals affected with DYNC1H1-related conditions. ClinVar contains an entry for this variant (Variation ID: 2200776). Algorithms developed to predict the effect of sequence changes on RNA splicing suggest that this variant may disrupt the consensus splice site. In summary, the available evidence is currently insufficient to determine the role of this variant in disease. Therefore, it has been classified as a Variant of Uncertain Significance.